The following is an entry in ClinVar:

ClinVar aggregate classification (germline): Conflicting classifications of pathogenicity. Review status: criteria provided, conflicting classifications (1 of 4 stars). 13 submissions from 13 submitters: Uncertain significance (10); Likely benign (1). 2 of the submissions do not count toward it. Last evaluated 2026-09-12.

Conditions:
RAD51D-related disorder. Also called: RAD51D-related condition.
Hereditary cancer-predisposing syndrome. Also called: Neoplastic Syndromes, Hereditary; Tumor predisposition; Hereditary neoplastic syndrome; Hereditary Cancer Syndrome. Identifiers: Orphanet 140162, MedGen C0027672, MeSH D009386, MONDO:0015356.
Breast-ovarian cancer, familial, susceptibility to, 4. Identifiers: Orphanet 145, MedGen C3280345, MONDO:0013669, OMIM 614291.
Malignant tumor of breast. Also called: Malignant breast neoplasm; Cancer breast. Identifiers: MedGen C0006142, MONDO:0007254. Disease mechanism: loss of function.

Allele frequency attached by ClinVar (database versions not stated): gnomAD 0.00001; gnomAD exomes 0.00001; ExAC 0.00002; TOPMed 0.00002; ESP Exome Variant Server 0.00008.

Submissions (13):

PreventionGenetics, part of Exact Sciences
Classification: Uncertain significance for RAD51D-related condition. Last evaluated: 2026-09-12. Review status: criteria provided, single submitter. Criteria: ACMG Guidelines, 2015. Collection method: clinical testing. Allele origin: germline.
Comment: The RAD51D c.131G>A variant is predicted to result in the amino acid substitution p.Gly44Asp. This variant has been reported in an individual with ovarian cancer (Table A4, Song et al. 2015. PubMed ID: 26261251). This variant has also been reported in an individual diagnosed with both gastrointestinal stromal tumor (GIST) and peritoneal mesothelioma (Supplemental Table 1, Patient 5, Courelli et al. 2022. PubMed ID: 35849291). Of note, the variant was reported by two different labs in the blood (45-55% MAF) and in the tumor (GIST, MAF not available) (Supplemental Table 1, Patient 5, Courelli et al. 2022. PubMed ID: 35849291). This variant is reported in 0.0018% of alleles in individuals of European (Non-Finnish) descent in gnomAD and is reported as uncertain in ClinVar (Variation ID: 184924). At this time, the clinical significance of this variant is uncertain due to the absence of conclusive functional and genetic evidence.

Labcorp Genetics (formerly Invitae), Labcorp
Classification: Uncertain significance for Breast-ovarian cancer, familial, susceptibility to, 4. Last evaluated: 2026-01-13. Review status: criteria provided, single submitter. Criteria: Invitae Variant Classification Sherloc (09022015). Collection method: clinical testing. Allele origin: germline.
Comment: This sequence change replaces glycine, which is neutral and non-polar, with aspartic acid, which is acidic and polar, at codon 44 of the RAD51D protein (p.Gly44Asp). This variant is present in population databases (rs374730714, gnomAD 0.003%). This missense change has been observed in individual(s) with breast or ovarian cancer (PMID: 26261251, 32885271). ClinVar contains an entry for this variant (Variation ID: 184924). An algorithm developed to predict the effect of missense changes on protein structure and function (PolyPhen-2) suggests that this variant is likely to be tolerated. In summary, the available evidence is currently insufficient to determine the role of this variant in disease. Therefore, it has been classified as a Variant of Uncertain Significance.

Quest Diagnostics Nichols Institute San Juan Capistrano
Classification: Uncertain significance. Last evaluated: 2025-09-18. Review status: criteria provided, single submitter. Criteria: Quest Diagnostics criteria. Collection method: clinical testing. Allele origin: unknown.
Comment: The RAD51D c.131G>A (p.Gly44Asp) variant has been reported in individuals with breast cancer (PMID: 32885271 (2021)) and ovarian cancer (PMID: 26261251 (2015)). It has also been detected in an individual with a low risk of breast cancer (PMID: 38153744 (2023)). The frequency of this variant in the general population (Genome Aggregation Database) is uninformative in the assessment of its pathogenicity. Analysis of this variant using bioinformatics tools for the prediction of the effect of amino acid changes on protein structure and function yielded predictions that this variant is benign. Based on the available information, we are unable to determine the clinical significance of this variant.

Ambry Genetics
Classification: Uncertain significance for Hereditary cancer-predisposing syndrome. Last evaluated: 2025-06-10. Review status: criteria provided, single submitter. Criteria: Ambry Variant Classification Scheme 2023. Collection method: clinical testing. Allele origin: germline.
Comment: The p.G44D variant (also known as c.131G>A), located in coding exon 2 of the RAD51D gene, results from a G to A substitution at nucleotide position 131. The glycine at codon 44 is replaced by aspartic acid, an amino acid with similar properties. This alteration was identified in an individual diagnosed with ovarian cancer (Song H et al. J. Clin. Oncol., 2015 Sep;33:2901-7). This amino acid position is not well conserved in available vertebrate species. In addition, this alteration is predicted to be tolerated by in silico analysis. Since supporting evidence is limited at this time, the clinical significance of this alteration remains unclear.

Center for Genomic Medicine, Rigshospitalet, Copenhagen University Hospital
Classification: Uncertain significance. Last evaluated: 2025-03-04. Review status: criteria provided, single submitter. Criteria: ACMG Guidelines, 2015. Collection method: clinical testing. Allele origin: germline.

GeneDx
Classification: Uncertain significance. Last evaluated: 2025-01-16. Review status: criteria provided, single submitter. Criteria: GeneDx Variant Classification Process June 2021. Collection method: clinical testing. Allele origin: germline. Affected: yes.
Comment: Not observed at significant frequency in large population cohorts (gnomAD); In silico analysis indicates that this missense variant does not alter protein structure/function; Observed in individuals with ovarian, liver, or other cancer (PMID: 26261251, 29625052, 35849291); This variant is associated with the following publications: (PMID: 26261251, 29625052, 36451132, 21111057, 35849291)

Blueprint Genetics
Classification: Likely benign. Last evaluated: 2024-11-08. Review status: criteria provided, single submitter. Criteria: ACMG Guidelines, 2015. Collection method: clinical testing. Allele origin: germline.

Women's Health and Genetics/Laboratory Corporation of America, LabCorp
Classification: Uncertain significance. Last evaluated: 2024-05-13. Review status: criteria provided, single submitter. Criteria: LabCorp Variant Classification Summary - May 2015. Collection method: clinical testing. Allele origin: germline.
Comment: Variant summary: RAD51D c.131G>A (p.Gly44Asp) results in a non-conservative amino acid change located in the RAD51D, N-terminal domain (IPR048943) of the encoded protein sequence. Four of five in-silico tools predict a benign effect of the variant on protein function. The variant allele was found at a frequency of 8e-06 in 251456 control chromosomes. The available data on variant occurrences in the general population are insufficient to allow any conclusion about variant significance. c.131G>A has been reported in the literature in at least one individual affected with ovariant cancer, or affected with both gastrointestinal stromal tumor and peritoneal mesothelioma, all without strong evidence for causality (e.g. Song_2015, Courelli_2022). These reports do not provide unequivocal conclusions about association of the variant with Hereditary Breast And Ovarian Cancer Syndrome. To our knowledge, no experimental evidence demonstrating an impact on protein function has been reported. The following publications have been ascertained in the context of this evaluation (PMID: 26261251, 35849291). ClinVar contains an entry for this variant (Variation ID: 184924). Based on the evidence outlined above, the variant was classified as uncertain significance.

Baylor Genetics
Classification: Uncertain significance for Breast-ovarian cancer, familial, susceptibility to, 4. Last evaluated: 2023-08-07. Review status: criteria provided, single submitter. Criteria: ACMG Guidelines, 2015. Collection method: clinical testing. Allele origin: unknown.

Color Diagnostics, LLC DBA Color Health
Classification: Uncertain significance for Hereditary cancer-predisposing syndrome. Last evaluated: 2023-08-03. Review status: criteria provided, single submitter. Criteria: ACMG Guidelines, 2015. Collection method: clinical testing. Allele origin: germline.
Comment: This missense variant replaces glycine with aspartic acid at codon 44 of the RAD51D protein. Computational prediction suggests that this variant may not impact protein structure and function (internally defined REVEL score threshold <= 0.5, PMID: 27666373). To our knowledge, functional studies have not been reported for this variant. This variant has been reported in an individual affected with ovarian cancer (PMID: 26261251). This variant has been identified in 2/251456 chromosomes in the general population by the Genome Aggregation Database (gnomAD). The available evidence is insufficient to determine the role of this variant in disease conclusively. Therefore, this variant is classified as a Variant of Uncertain Significance.

Myriad Genetics, Inc.
Classification: Uncertain significance for Breast-ovarian cancer, familial, susceptibility to, 4. Last evaluated: 2023-04-06. Review status: criteria provided, single submitter. Criteria: Myriad Autosomal Dominant, Autosomal Recessive and X-Linked Classification Criteria (2023). Collection method: clinical testing. Allele origin: unknown.
Comment: This variant is classified as a variant of uncertain significance as there is insufficient evidence to determine its impact on protein function and/or cancer risk.

Counsyl
Classification: Uncertain significance for Breast-ovarian cancer, familial, susceptibility to, 4. Last evaluated: 2016-08-30. Review status: no assertion criteria provided. Collection method: clinical testing. Allele origin: unknown. Not counted in ClinVar's aggregate classification.

Department of Pathology and Laboratory Medicine, Sinai Health System
Classification: Uncertain significance for Malignant tumor of breast. Review status: no assertion criteria provided. Collection method: clinical testing. Allele origin: unknown. Affected: yes. Study: The Canadian Open Genetics Repository (COGR). Not counted in ClinVar's aggregate classification.
Comment: The RAD51D p.Gly44Asp variant was identified in 1 of 6858 proband chromosomes (frequency: 0.0002) from individuals or families with epithelial ovarian cancer and was not identified in 4000 control chromosomes from healthy individuals (Song 2015). The variant was also identified in dbSNP (ID: rs374730714) as "With Uncertain significance allele", and in ClinVar (classified as uncertain significance by Invitae, Ambry Genetics, GeneDx and three other submitters). The variant was identified in control databases in 3 of 246268 chromosomes at a frequency of 0.00001 (Genome Aggregation Database Feb 27, 2017). The variant was observed in the European population in 3 of 111716 chromosomes (freq: 0.00003), but was not observed in the African, Other, Latino, Ashkenazi Jewish, East Asian, Finnish, or South Asian populations. The p.Gly44 residue is conserved in mammals and computational analyses (PolyPhen-2, SIFT, AlignGVGD, BLOSUM, MutationTaster) provide inconsistent predictions regarding the impact to the protein; this information is not very predictive of pathogenicity. The variant occurs outside of the splicing consensus sequence and 2 of 4 in silico or computational prediction software programs (SpliceSiteFinder, MaxEntScan, NNSPLICE, GeneSplice) predict a greater than 10% difference in splicing; this is not very predictive of pathogenicity. In summary, based on the above information the clinical significance of this variant cannot be determined with certainty at this time. This variant is classified as a variant of uncertain significance.

Literature cited by the submitters: PubMed 26261251 (cited by 7 submitters); PubMed 32885271 (cited by Labcorp Genetics (formerly Invitae), Labcorp and Quest Diagnostics Nichols Institute San Juan Capistrano); PubMed 35849291 (cited by Quest Diagnostics Nichols Institute San Juan Capistrano and Women's Health and Genetics/Laboratory Corporation of America, LabCorp); PubMed 38153744 (cited by Quest Diagnostics Nichols Institute San Juan Capistrano).

NM_002878.4(RAD51D):c.131G>A (p.Gly44Asp)

Genes: RAD51D (RAD51 paralog D; minus strand), RAD51L3-RFFL (RAD51L3-RFFL readthrough; minus strand). Cytogenetic location: 17q12.
Variant type: single nucleotide variant.
Coding change: c.131G>A on transcript NM_002878.4 (MANE Select); coding-DNA position 131, G replaced by A.
Protein change: p.Gly44Asp; replaces glycine 44 with aspartic acid.
Molecular consequence: missense variant. On other transcripts: non-coding transcript variant (2).
Genome position (GRCh38, 1-based): chr17:35,119,124, C>T on the plus strand (G>A on the coding strand, the complement: RAD51D is on the minus strand). VCF-style: chr17-35119124-C-T. GRCh37 (hg19) VCF-style: chr17-33446143-C-T.
Other names: c.131G>A, p.Gly44Asp (NM_001142571.2, NM_133629.3); short protein forms G44D.
Identifiers: ClinVar variation 184924 (VCV000184924.50), dbSNP rs374730714, ClinGen allele CA190485.